The following is an entry in ClinVar:

ClinVar aggregate classification (germline): Benign/Likely benign. Review status: criteria provided, multiple submitters, no conflicts (2 of 4 stars). 5 submissions from 5 submitters: Benign (3); Likely benign (2). Last evaluated 2026-01-15.

Conditions:
Inborn genetic diseases. Identifiers: MedGen C0950123, MeSH D030342.
Landau-Kleffner syndrome (FESD). Also called: APHASIA, ACQUIRED, WITH EPILEPSY; EPILEPSY, FOCAL, WITH SPEECH DISORDER AND WITH OR WITHOUT MENTAL RETARDATION. Identifiers: Orphanet 1945, Orphanet 725, Orphanet 98818, MedGen C0282512, MONDO:0009509, OMIM 245570.

Allele frequency attached by ClinVar (database versions not stated): gnomAD below 0.00001 and 0.00009; TOPMed 0.00002; gnomAD exomes 0.00014 and 0.00027; ExAC 0.00030; 1000 Genomes Project 0.00120; 1000 Genomes Project 30x 0.00125.
gnomAD v4.1: 218 of 1,614,202 alleles (0.014%); highest among the groups gnomAD compares: South Asian, 0.23%; 2 homozygotes.

Submissions (5):

Labcorp Genetics (formerly Invitae), Labcorp
Classification: Benign for Landau-Kleffner syndrome. Last evaluated: 2026-01-15. Review status: criteria provided, single submitter. Criteria: Invitae Variant Classification Sherloc (09022015). Collection method: clinical testing. Allele origin: germline.

Blueprint Genetics
Classification: Likely benign. Last evaluated: 2022-04-12. Review status: criteria provided, single submitter. Criteria: ACMG Guidelines, 2015. Collection method: clinical testing. Allele origin: germline.

Illumina Laboratory Services, Illumina
Classification: Benign for Landau-Kleffner syndrome. Last evaluated: 2018-01-13. Review status: criteria provided, single submitter. Criteria: ICSL Variant Classification Criteria 13 December 2019. Collection method: clinical testing. Allele origin: germline.
Comment: This variant was observed in the ICSL laboratory as part of a predisposition screen in an ostensibly healthy population. It had not been previously curated by ICSL or reported in the Human Gene Mutation Database (HGMD: prior to June 1st, 2018), and was therefore a candidate for classification through an automated scoring system. Utilizing variant allele frequency, disease prevalence and penetrance estimates, and inheritance mode, an automated score was calculated to assess if this variant is too frequent to cause the disease. Based on the score and internal cut-off values, a variant classified as benign is not then subjected to further curation. The score for this variant resulted in a classification of benign for this disease.

Ambry Genetics
Classification: Likely benign for Inborn genetic diseases. Last evaluated: 2017-05-30. Review status: criteria provided, single submitter. Criteria: Ambry Variant Classification Scheme 2023. Collection method: clinical testing. Allele origin: germline.

GeneDx
Classification: Benign. Last evaluated: 2014-04-11. Review status: criteria provided, single submitter. Criteria: GeneDx Variant Classification (06012015). Collection method: clinical testing. Allele origin: germline. Affected: yes.
Comment: This variant is considered likely benign or benign based on one or more of the following criteria: it is a conservative change, it occurs at a poorly conserved position in the protein, it is predicted to be benign by multiple in silico algorithms, and/or has population frequency not consistent with disease.

NM_001134407.3(GRIN2A):c.2694C>T (p.Leu898=)

Gene: GRIN2A (glutamate ionotropic receptor NMDA type subunit 2A; minus strand). Cytogenetic location: 16p13.2.
Variant type: single nucleotide variant.
Coding change: c.2694C>T on transcript NM_001134407.3 (MANE Select); coding-DNA position 2694, C replaced by T.
Protein change: p.Leu898=; no amino-acid change (leucine 898 retained).
Molecular consequence: synonymous variant.
Genome position (GRCh38, 1-based): chr16:9,764,850, G>A on the plus strand (C>T on the coding strand, the complement: GRIN2A is on the minus strand). VCF-style: chr16-9764850-G-A. GRCh37 (hg19) VCF-style: chr16-9858707-G-A.
Other names: p.L898L:CTC>CTT; c.2694C>T, p.Leu898= (NM_000833.5, NM_001134408.2).
Identifiers: ClinVar variation 137513 (VCV000137513.20), dbSNP rs569998469, ClinGen allele CA291124.